The following is an entry in ClinVar:

ClinVar aggregate classification (germline): Uncertain significance (1 of 4 stars; one submission).

Submission:

Labcorp Genetics (formerly Invitae), Labcorp
Classification: Uncertain significance. Last evaluated: 2025-12-20. Review status: criteria provided, single submitter. Criteria: Invitae Variant Classification Sherloc (09022015). Collection method: clinical testing. Allele origin: germline.
Comment: This sequence change replaces proline, which is neutral and non-polar, with alanine, which is neutral and non-polar, at codon 98 of the CTF1 protein (p.Pro98Ala). The frequency data for this variant in the population databases is considered unreliable, as metrics indicate insufficient coverage at this position in the gnomAD database. This variant has not been reported in the literature in individuals affected with CTF1-related conditions. ClinVar contains an entry for this variant (Variation ID: 2917199). An algorithm developed to predict the effect of missense changes on protein structure and function (PolyPhen-2) suggests that this variant is likely to be tolerated. In summary, the available evidence is currently insufficient to determine the role of this variant in disease. Therefore, it has been classified as a Variant of Uncertain Significance.

NM_001330.5(CTF1):c.292C>G (p.Pro98Ala)

Genes: CTF1 (cardiotrophin 1; plus strand), LOC130058878 (ATAC-STARR-seq lymphoblastoid silent region 7400; plus strand). Cytogenetic location: 16p11.2.
Variant type: single nucleotide variant.
Coding change: c.292C>G on transcript NM_001330.5 (MANE Select); coding-DNA position 292, C replaced by G.
Protein change: p.Pro98Ala; replaces proline 98 with alanine.
Molecular consequence: missense variant. On other transcripts: non-coding transcript variant (1).
Genome position (GRCh38, 1-based): chr16:30,902,225, C>G. VCF-style: chr16-30902225-C-G. GRCh37 (hg19) VCF-style: chr16-30913546-C-G.
Other names: c.289C>G, p.Pro97Ala (NM_001142544.3); short protein forms P98A, P97A.
Identifiers: ClinVar variation 2917199 (VCV002917199.3), dbSNP rs1351086524, ClinGen allele CA395618729.